The following is an entry in ClinVar:

ClinVar aggregate classification (germline): Uncertain significance (1 of 4 stars; one submission).

Conditions:
Dilated cardiomyopathy 1JJ (CMD1JJ). Identifiers: Orphanet 154, MedGen C3808935, MONDO:0014095, OMIM 615235.

gnomAD v4.1: 1 of 1,613,650 alleles (0.000062%); highest among the groups gnomAD compares: African/African-American, 0.0013%; no homozygotes.

Submission:

Labcorp Genetics (formerly Invitae), Labcorp
Classification: Uncertain significance for Dilated cardiomyopathy 1JJ. Last evaluated: 2020-05-15. Review status: criteria provided, single submitter. Criteria: Invitae Variant Classification Sherloc (09022015). Collection method: clinical testing. Allele origin: germline.
Comment: In summary, the available evidence is currently insufficient to determine the role of this variant in disease. Therefore, it has been classified as a Variant of Uncertain Significance. Algorithms developed to predict the effect of missense changes on protein structure and function (SIFT, PolyPhen-2, Align-GVGD) all suggest that this variant is likely to be disruptive, but these predictions have not been confirmed by published functional studies and their clinical significance is uncertain. This variant has not been reported in the literature in individuals with LAMA4-related conditions. This variant is not present in population databases (ExAC no frequency). This sequence change replaces glycine with arginine at codon 1215 of the LAMA4 protein (p.Gly1215Arg). The glycine residue is highly conserved and there is a moderate physicochemical difference between glycine and arginine.

NM_001105206.3(LAMA4):c.3664G>C (p.Gly1222Arg)

Gene: LAMA4 (laminin subunit alpha 4; minus strand). Cytogenetic location: 6q21.
Variant type: single nucleotide variant.
Coding change: c.3664G>C on transcript NM_001105206.3 (MANE Select); coding-DNA position 3664, G replaced by C.
Protein change: p.Gly1222Arg; replaces glycine 1222 with arginine.
Molecular consequence: missense variant.
Genome position (GRCh38, 1-based): chr6:112,133,381, C>G on the plus strand (G>C on the coding strand, the complement: LAMA4 is on the minus strand). VCF-style: chr6-112133381-C-G. GRCh37 (hg19) VCF-style: chr6-112454583-C-G.
Other names: c.3643G>C, p.Gly1215Arg (NM_001105207.3, NM_002290.5); short protein forms G1215R, G1222R.
Identifiers: ClinVar variation 1003365 (VCV001003365.9), dbSNP rs782523789, ClinGen allele CA365375439.